The following is an entry in ClinVar:

ClinVar aggregate classification (germline): Uncertain significance (1 of 4 stars; one submission).

Conditions:
Hypertrophic cardiomyopathy 26. Also called: Cardiomyopathy, familial hypertrophic, 26. Identifiers: Orphanet 75249, MedGen C4310749, MONDO:0014883, OMIM 617047.
Myofibrillar myopathy 5. Also called: Filaminopathy (type); FILAMINOPATHY, AUTOSOMAL DOMINANT. Identifiers: Orphanet 171445, MedGen C1836050, MONDO:0012289, OMIM 609524.
Distal myopathy with posterior leg and anterior hand involvement. Also called: WILLIAMS DISTAL MYOPATHY. Identifiers: Orphanet 63273, MedGen C3279722, MONDO:0013550, OMIM 614065.

Submission:

Labcorp Genetics (formerly Invitae), Labcorp
Classification: Uncertain significance for Distal myopathy with posterior leg and anterior hand involvement; Myofibrillar myopathy 5; Hypertrophic cardiomyopathy 26. Last evaluated: 2025-12-14. Review status: criteria provided, single submitter. Criteria: Invitae Variant Classification Sherloc (09022015). Collection method: clinical testing. Allele origin: germline.
Comment: This sequence change replaces threonine, which is neutral and polar, with isoleucine, which is neutral and non-polar, at codon 2640 of the FLNC protein (p.Thr2640Ile). This variant is not present in population databases (gnomAD no frequency). This variant has not been reported in the literature in individuals affected with FLNC-related conditions. Invitae Evidence Modeling of protein sequence and biophysical properties (such as structural, functional, and spatial information, amino acid conservation, physicochemical variation, residue mobility, and thermodynamic stability) indicates that this missense variant is not expected to disrupt FLNC protein function with a negative predictive value of 95%. In summary, the available evidence is currently insufficient to determine the role of this variant in disease. Therefore, it has been classified as a Variant of Uncertain Significance.

NM_001458.5(FLNC):c.7919C>T (p.Thr2640Ile)

Genes: FLNC-AS1 (FLNC antisense RNA 1; minus strand), FLNC (filamin C; plus strand). Cytogenetic location: 7q32.1.
Variant type: single nucleotide variant.
Coding change: c.7919C>T on transcript NM_001458.5 (MANE Select); coding-DNA position 7919, C replaced by T.
Protein change: p.Thr2640Ile; replaces threonine 2640 with isoleucine.
Molecular consequence: missense variant.
Genome position (GRCh38, 1-based): chr7:128,858,146, C>T. VCF-style: chr7-128858146-C-T. GRCh37 (hg19) VCF-style: chr7-128498200-C-T.
Other names: c.7820C>T, p.Thr2607Ile (NM_001127487.2); short protein forms T2607I, T2640I.
Identifiers: ClinVar variation 4812671 (VCV004812671.1).